The following is an entry in ClinVar:

NM_001267550.2(TTN):c.106837T>G (p.Ser35613Ala)

Genes: TTN (titin; minus strand), TTN-AS1 (TTN antisense RNA 1; plus strand). Cytogenetic location: 2q31.2.
Variant type: single nucleotide variant.
Coding change: c.106837T>G on transcript NM_001267550.2 (MANE Select); coding-DNA position 106837, T replaced by G.
Protein change: p.Ser35613Ala; replaces serine 35613 with alanine.
Molecular consequence: missense variant.
Genome position (GRCh38, 1-based): chr2:178,528,914, A>C on the plus strand (T>G on the coding strand, the complement: TTN is on the minus strand). VCF-style: chr2-178528914-A-C. GRCh37 (hg19) VCF-style: chr2-179393641-A-C.
Other names: c.99133T>G, p.Ser33045Ala (NM_133378.4); c.101914T>G, p.Ser33972Ala (NM_001256850.1); c.79642T>G, p.Ser26548Ala (NM_003319.4); c.80017T>G, p.Ser26673Ala (NM_133432.3); c.80218T>G, p.Ser26740Ala (NM_133437.4); short protein forms S35613A, S33045A, S33972A, S26673A, S26548A, S26740A.
Identifiers: ClinVar variation 47714 (VCV000047714.24), dbSNP rs374405802, ClinGen allele CA141761.
Genomic context (GRCh38, chr2:178,528,914, plus strand): 5'-CACCAGCAATGTTGGCTTTTAAAACCAGTCTTTGACCTTCGTTTATGCTCATCTGAGTAG[A>C]AAATGCTTTAATCTCAGCATGAGTTCTGACTTCTTCTGATGCCTGTGATGTTTTAGTGAT-3'
Protein context (NP_001254479.2, residues 35603-35623): VRTHAEIKAF[Ser35613Ala]TQMSINEGQR

ClinVar aggregate classification (germline): Conflicting classifications of pathogenicity. Review status: criteria provided, conflicting classifications (1 of 4 stars). 13 submissions from 9 submitters: Uncertain significance (8); Likely benign (5). Last evaluated 2026-08-25.

Conditions:
TTN-related disorder. Also called: TTN-related condition; TTN-related disease; TTN-related disorders.
Cardiovascular phenotype. Identifiers: MedGen CN230736.
Autosomal recessive limb-girdle muscular dystrophy type 2J (LGMDR10). Also called: Limb-girdle muscular dystrophy, type 2J; MUSCULAR DYSTROPHY, LIMB-GIRDLE, AUTOSOMAL RECESSIVE 10. Identifiers: Orphanet 140922, MedGen C1837342, MONDO:0012127, OMIM 608807.
Dilated cardiomyopathy 1G (CMD1G). Identifiers: Orphanet 154, MedGen C1858763, MONDO:0011400, OMIM 604145.
Myopathy, myofibrillar, 9, with early respiratory failure (MFM9). Also called: Hereditary myopathy with early respiratory failure; EDSTROM MYOPATHY; MYOPATHY, PROXIMAL, WITH EARLY RESPIRATORY MUSCLE INVOLVEMENT; Myopathy, distal, with early respiratory failure, autosomal dominant. Identifiers: Orphanet 178464, Orphanet 34521, MedGen C1863599, MONDO:0011362, OMIM 603689.
Early-onset myopathy with fatal cardiomyopathy (CMYO5). Also called: Salih Myopathy; CONGENITAL MYOPATHY 5 WITH CARDIOMYOPATHY. Identifiers: Orphanet 289377, MedGen C2673677, MONDO:0012714, OMIM 611705. Disease mechanism: loss of function.
Hypertrophic cardiomyopathy 9. Also called: Familial hypertrophic cardiomyopathy 9. Identifiers: MedGen C1861065, MONDO:0013412, OMIM 613765.
Tibial muscular dystrophy (TMD). Also called: Tibial muscular dystrophy, tardive; UDD MYOPATHY; Udd Distal Myopathy – Tibial Muscular Dystrophy. Identifiers: Orphanet 609, MedGen C1838244, MONDO:0010870, OMIM 600334.

Allele frequency attached by ClinVar (database versions not stated): gnomAD exomes 0.00003; TOPMed 0.00007; gnomAD 0.00013; ESP Exome Variant Server 0.00017.
gnomAD v4.1: 50 of 1,613,934 alleles (0.0031%); highest among the groups gnomAD compares: Non-Finnish European, 0.0041%; no homozygotes.

Submissions (13):

PreventionGenetics, part of Exact Sciences
Classification: Uncertain significance for TTN-related condition. Last evaluated: 2026-08-25. Review status: criteria provided, single submitter. Criteria: ACMG Guidelines, 2015. Collection method: clinical testing. Allele origin: germline.
Comment: The TTN c.106837T>G variant is predicted to result in the amino acid substitution p.Ser35613Ala. This variant has been reported in an individual with left ventricular noncompaction cardiomyopathy (Table S2, Mazzarotto et al. 2021. PubMed ID: 33500567) and an individual with dilated cardiomyopathy (Patient 116 in Supplementary Table S1, Voinescu et al. 2024. PubMed ID: 38473809). This variant is reported in 0.012% of alleles in individuals of European (Non-Finnish) descent in gnomAD. At this time, the clinical significance of this variant is uncertain due to the absence of conclusive functional and genetic evidence.

Labcorp Genetics (formerly Invitae), Labcorp
Classification: Uncertain significance for Dilated cardiomyopathy 1G; Autosomal recessive limb-girdle muscular dystrophy type 2J. Last evaluated: 2026-01-18. Review status: criteria provided, single submitter. Criteria: Invitae Variant Classification Sherloc (09022015). Collection method: clinical testing. Allele origin: germline.
Comment: This sequence change replaces serine, which is neutral and polar, with alanine, which is neutral and non-polar, at codon 35613 of the TTN protein (p.Ser35613Ala). This variant is present in population databases (rs374405802, gnomAD 0.01%). This missense change has been observed in individual(s) with left ventricular noncompaction cardiomyopathy (PMID: 33500567). ClinVar contains an entry for this variant (Variation ID: 47714). Experimental studies and prediction algorithms are not available or were not evaluated, and the functional significance of this variant is currently unknown. This variant is located in the M band of TTN (PMID: 25589632). Non-truncating variants in this region may be relevant for neuromuscular disorders, but have not been definitively shown to cause cardiomyopathy (PMID: 23975875). In summary, the available evidence is currently insufficient to determine the role of this variant in disease. Therefore, it has been classified as a Variant of Uncertain Significance.

Blueprint Genetics
Classification: Likely benign. Last evaluated: 2024-09-25. Review status: criteria provided, single submitter. Criteria: ACMG Guidelines, 2015. Collection method: clinical testing. Allele origin: germline.

Department of Pathology and Laboratory Medicine, Sinai Health System
Classification: Uncertain significance for Tibial muscular dystrophy; Myopathy, myofibrillar, 9, with early respiratory failure; Dilated cardiomyopathy 1G; Autosomal recessive limb-girdle muscular dystrophy type 2J; Early-onset myopathy with fatal cardiomyopathy; Hypertrophic cardiomyopathy 9. Last evaluated: 2021-12-21. Review status: criteria provided, single submitter. Criteria: ACMG Guidelines, 2015. Collection method: research. Allele origin: germline.

GeneDx
Classification: Likely benign. Last evaluated: 2020-08-14. Review status: criteria provided, single submitter. Criteria: GeneDx Variant Classification Process June 2021. Collection method: clinical testing. Allele origin: germline. Affected: yes.

Ambry Genetics
Classification: Likely benign for Cardiovascular phenotype. Last evaluated: 2020-02-24. Review status: criteria provided, single submitter. Criteria: Ambry Variant Classification Scheme 2023. Collection method: clinical testing. Allele origin: germline.

Fulgent Genetics
Classification: Uncertain significance for Tibial muscular dystrophy; Myopathy, myofibrillar, 9, with early respiratory failure; Dilated cardiomyopathy 1G; Autosomal recessive limb-girdle muscular dystrophy type 2J; Early-onset myopathy with fatal cardiomyopathy; Hypertrophic cardiomyopathy 9. Last evaluated: 2018-10-31. Review status: criteria provided, single submitter. Criteria: ACMG Guidelines, 2015. Collection method: clinical testing. Allele origin: unknown.

Illumina Laboratory Services, Illumina
Classification: Likely benign for Myopathy, myofibrillar, 9, with early respiratory failure. Last evaluated: 2018-01-13. Review status: criteria provided, single submitter. Criteria: ICSL Variant Classification Criteria 13 December 2019. Collection method: clinical testing. Allele origin: germline.
Comment: This variant was observed in the ICSL laboratory as part of a predisposition screen in an ostensibly healthy population. It had not been previously curated by ICSL or reported in the Human Gene Mutation Database (HGMD: prior to June 1st, 2018), and was therefore a candidate for classification through an automated scoring system. Utilizing variant allele frequency, disease prevalence and penetrance estimates, and inheritance mode, an automated score was calculated to assess if this variant is too frequent to cause the disease. Based on the score and internal cut-off values, a variant classified as likely benign is not then subjected to further curation. The score for this variant resulted in a classification of likely benign for this disease.

Illumina Laboratory Services, Illumina
Classification: Uncertain significance for Autosomal recessive limb-girdle muscular dystrophy type 2J. Last evaluated: 2018-01-13. Review status: criteria provided, single submitter. Criteria: ICSL Variant Classification Criteria 13 December 2019. Collection method: clinical testing. Allele origin: germline.

Illumina Laboratory Services, Illumina
Classification: Uncertain significance for Dilated cardiomyopathy 1G. Last evaluated: 2018-01-13. Review status: criteria provided, single submitter. Criteria: ICSL Variant Classification Criteria 13 December 2019. Collection method: clinical testing. Allele origin: germline.

Illumina Laboratory Services, Illumina
Classification: Uncertain significance for Early-onset myopathy with fatal cardiomyopathy. Last evaluated: 2018-01-13. Review status: criteria provided, single submitter. Criteria: ICSL Variant Classification Criteria 13 December 2019. Collection method: clinical testing. Allele origin: germline.

Illumina Laboratory Services, Illumina
Classification: Likely benign for Tibial muscular dystrophy. Last evaluated: 2018-01-13. Review status: criteria provided, single submitter. Criteria: ICSL Variant Classification Criteria 13 December 2019. Collection method: clinical testing. Allele origin: germline.
Comment: the same text as in the submission from Illumina Laboratory Services, Illumina above.

Laboratory for Molecular Medicine, Mass General Brigham Personalized Medicine
Classification: Uncertain significance. Last evaluated: 2012-04-24. Review status: criteria provided, single submitter. Criteria: LMM Criteria. Collection method: clinical testing. Allele origin: germline. Observed: 1 variant allele.
Comment: The Ser33045Ala variant (TTN) has not been reported in the literature nor previo usly identified by our laboratory. Computational analyses (biochemical amino aci d properties, conservation, AlignGVGD, PolyPhen2, and SIFT) do not provide stron g support for or against an impact to the protein. This variant has been seen in 0.03% (2/6666) of European American chromosomes in a broad population by the NH LBI Exome Sequencing Project; however this fr equency is too low to confidently rule out a disease causing role. In summary, a dditional studies are needed to fully assess the clinical significance of the Se r33045Ala variant.

Literature cited by the submitters: PubMed 33500567 (cited by Labcorp Genetics (formerly Invitae), Labcorp); PubMed 25589632 (cited by Labcorp Genetics (formerly Invitae), Labcorp); PubMed 23975875 (cited by Labcorp Genetics (formerly Invitae), Labcorp).